The following is an entry in ClinVar:

NM_199280.4(TOGARAM2):c.1890G>A (p.Glu630=)

Gene: TOGARAM2 (TOG array regulator of axonemal microtubules 2; plus strand). Cytogenetic location: 2p23.2.
Variant type: single nucleotide variant.
Coding change: c.1890G>A on transcript NM_199280.4 (MANE Select); coding-DNA position 1890, G replaced by A.
Protein change: p.Glu630=; no amino-acid change (glutamic acid 630 retained).
Molecular consequence: synonymous variant.
Genome position (GRCh38, 1-based): chr2:29,026,889, G>A. VCF-style: chr2-29026889-G-A. GRCh37 (hg19) VCF-style: chr2-29249755-G-A.
Other names: c.1725G>A, p.Glu575= (NM_001321538.3); c.1317G>A, p.Glu439= (NM_001321539.3).
Identifiers: ClinVar variation 2650785 (VCV002650785.24), dbSNP rs189858078, ClinGen allele CA1591428.

ClinVar aggregate classification (germline): Likely benign (1 of 4 stars; one submission).

Allele frequency attached by ClinVar (database versions not stated): ExAC 0.00077; 1000 Genomes Project 0.00120; 1000 Genomes Project 30x 0.00156; ESP Exome Variant Server 0.00196.
gnomAD v4.1: 526 of 1,592,208 alleles (0.033%); highest among the groups gnomAD compares: African/African-American, 0.64%; 3 homozygotes.

Submission:

CeGaT Center for Human Genetics Tuebingen
Classification: Likely benign. Last evaluated: 2023-03-01. Review status: criteria provided, single submitter. Criteria: CeGaT Center For Human Genetics Tuebingen Variant Classification Criteria Version 2. Collection method: clinical testing. Allele origin: germline. Affected: yes. Observed: 1 variant allele.
Comment: TOGARAM2: BP4, BP7